The following is an entry in ClinVar:

NM_032634.4(PIGO):c.1942del (p.Cys648fs)

Gene: PIGO (phosphatidylinositol glycan anchor biosynthesis class O; minus strand). Cytogenetic location: 9p13.3.
Variant type: Deletion.
Coding change: c.1942del on transcript NM_032634.4 (MANE Select); coding-DNA position 1942, one base deleted (T; older notation c.1942delT).
Protein change: p.Cys648fs; shifts the reading frame from cysteine 648.
Molecular consequence: frameshift variant. On other transcripts: intron variant (2).
Genome position (GRCh38, 1-based): chr9:35,091,945, A deleted on the plus strand (T on the coding strand, the reverse complement: PIGO is on the minus strand); the first of 3 consecutive A bases (chr9:35,091,945-35,091,947); deleting any one gives the same sequence. VCF-style (leftmost placement, unchanged base first): chr9-35091944-CA-C. GRCh37 (hg19) VCF-style: chr9-35091941-CA-C.
Other names: c.1344+598del (NM_152850.4, NM_001201484.2); short protein forms C648fs.
Identifiers: ClinVar variation 1451783 (VCV001451783.6), dbSNP rs2131075608, ClinGen allele CA2573144602.

ClinVar aggregate classification (germline): Pathogenic (1 of 4 stars; one submission).

Conditions:
Hyperphosphatasia with impaired intellectual development syndrome 2. Also called: Hyperphosphatasia with intellectual disability syndrome 2; GLYCOSYLPHOSPHATIDYLINOSITOL BIOSYNTHESIS DEFECT 6. Identifiers: Orphanet 247262, MedGen C3553637, MONDO:0013882, OMIM 614749.

Submission:

Labcorp Genetics (formerly Invitae), Labcorp
Classification: Pathogenic for Hyperphosphatasia with impaired intellectual development syndrome 2. Last evaluated: 2022-06-13. Review status: criteria provided, single submitter. Criteria: Invitae Variant Classification Sherloc (09022015). Collection method: clinical testing. Allele origin: germline.
Comment: For these reasons, this variant has been classified as Pathogenic. This variant has not been reported in the literature in individuals affected with PIGO-related conditions. This variant is not present in population databases (gnomAD no frequency). This sequence change creates a premature translational stop signal (p.Cys648Alafs*7) in the PIGO gene. It is expected to result in an absent or disrupted protein product. Loss-of-function variants in PIGO are known to be pathogenic (PMID: 22683086, 24417746).

Literature cited by the submitters: PubMed 22683086; PubMed 24417746.